The following is an entry in ClinVar:

NM_007294.4(BRCA1):c.165G>C (p.Lys55Asn)

Gene: BRCA1 (BRCA1 DNA repair associated; minus strand). Cytogenetic location: 17q21.31.
Variant type: single nucleotide variant.
Coding change: c.165G>C on transcript NM_007294.4 (MANE Select); coding-DNA position 165, G replaced by C.
Protein change: p.Lys55Asn; replaces lysine 55 with asparagine.
Molecular consequence: missense variant. On other transcripts: non-coding transcript variant (1).
Genome position (GRCh38, 1-based): chr17:43,106,503, C>G on the plus strand (G>C on the coding strand, the complement: BRCA1 is on the minus strand). VCF-style: chr17-43106503-C-G. GRCh37 (hg19) VCF-style: chr17-41258520-C-G.
Other names: c.-24G>C (NM_001407571.1, NM_001407853.1, NM_001407879.1 and 58 more transcripts); c.165G>C, p.Lys55Asn (NM_001407581.1, NM_001407582.1, NM_001407583.1 and 168 more transcripts); c.24G>C, p.Lys8Asn (NM_001407692.1, NM_001407694.1, NM_001407695.1 and 99 more transcripts); short protein forms K55N, K8N.
Identifiers: ClinVar variation 867291 (VCV000867291.3), dbSNP rs1597900495, ClinGen allele CA10601826.

Conditions:
Breast-ovarian cancer, familial, susceptibility to, 1 (BROVCA1). Also called: BRCA1 Hereditary Breast and Ovarian Cancer; OVARIAN CANCER, SUSCEPTIBILITY TO. Identifiers: Orphanet 145, MedGen C2676676, MONDO:0011450, OMIM 604370. Disease mechanism: loss of function.

Submission:

Brotman Baty Institute, University of Washington
No classification provided (evidence only). Condition: Breast-ovarian cancer, familial 1. Review status: no classification provided. Collection method: in vitro. Allele origin: not applicable. Functional consequence: functionally_normal.
ClinVar note: "not provided" was previously submitted as the classification for the variant. However, the classification appeared to be based only on an observation of functional data so it was converted to no classification on 2025-07-30.